The following is an entry in ClinVar:

NM_020975.6(RET):c.1291C>G (p.Gln431Glu)

Gene: RET (ret proto-oncogene; plus strand). Cytogenetic location: 10q11.21.
Variant type: single nucleotide variant.
Coding change: c.1291C>G on transcript NM_020975.6 (MANE Select); coding-DNA position 1291, C replaced by G.
Protein change: p.Gln431Glu; replaces glutamine 431 with glutamic acid.
Molecular consequence: missense variant. On other transcripts: intron variant (15).
Genome position (GRCh38, 1-based): chr10:43,111,234, C>G. VCF-style: chr10-43111234-C-G. GRCh37 (hg19) VCF-style: chr10-43606682-C-G.
Other names: c.565C>G, p.Gln189Glu (NM_001406775.1, NM_001406776.1, NM_001406777.1 and 1 more transcripts); c.301C>G, p.Gln101Glu (NM_001406784.1); c.1291C>G, p.Gln431Glu (NM_020629.2, NM_020630.7, NM_000323.2 and 6 more transcripts); c.626-865C>G (NM_001406782.1, NM_001406780.1, NM_001406779.1 and 3 more transcripts); c.497-865C>G (NM_001406786.1, NM_001406783.1); c.338-865C>G (NM_001406790.1, NM_001406788.1, NM_001406789.1 and 1 more transcripts); c.74-865C>G (NM_001406794.1, NM_001406792.1, NM_001406793.1); c.529C>G, p.Gln177Glu (NM_001355216.2); and 5 more; short protein forms Q388E, Q177E, Q285E, Q101E, Q299E, Q335E, Q431E, Q189E.
Identifiers: ClinVar variation 2625017 (VCV002625017.2), dbSNP rs2132766399, ClinGen allele CA376548910.

ClinVar aggregate classification (germline): Uncertain significance (1 of 4 stars; one submission).

Conditions:
Hereditary cancer-predisposing syndrome. Also called: Tumor predisposition; Hereditary Cancer Syndrome; Hereditary neoplastic syndrome; Neoplastic Syndromes, Hereditary. Identifiers: Orphanet 140162, MedGen C0027672, MeSH D009386, MONDO:0015356.

Allele frequency attached by ClinVar (database versions not stated): gnomAD exomes below 0.00001.
gnomAD v4.1: 1 of 1,614,114 alleles (0.000062%); highest among the groups gnomAD compares: African/African-American, 0.0013%; no homozygotes.

Submission:

Ambry Genetics
Classification: Uncertain significance for Hereditary cancer-predisposing syndrome. Last evaluated: 2023-08-01. Review status: criteria provided, single submitter. Criteria: Ambry Variant Classification Scheme 2023. Collection method: clinical testing. Allele origin: germline.
Comment: The p.Q431E variant (also known as c.1291C>G), located in coding exon 7 of the RET gene, results from a C to G substitution at nucleotide position 1291. The glutamine at codon 431 is replaced by glutamic acid, an amino acid with highly similar properties. This amino acid position is conserved. In addition, this alteration is predicted to be tolerated by in silico analysis. Since supporting evidence is limited at this time, the clinical significance of this alteration remains unclear.